The following is an entry in ClinVar:

NM_198253.3(TERT):c.1645A>T (p.Met549Leu)

Gene: TERT (telomerase reverse transcriptase; minus strand). Cytogenetic location: 5p15.33.
Variant type: single nucleotide variant.
Coding change: c.1645A>T on transcript NM_198253.3 (MANE Select); coding-DNA position 1645, A replaced by T.
Protein change: p.Met549Leu; replaces methionine 549 with leucine.
Molecular consequence: missense variant. On other transcripts: non-coding transcript variant (2).
Genome position (GRCh38, 1-based): chr5:1,282,553, T>A on the plus strand (A>T on the coding strand, the complement: TERT is on the minus strand). VCF-style: chr5-1282553-T-A. GRCh37 (hg19) VCF-style: chr5-1282668-T-A.
Other names: c.1645A>T, p.Met549Leu (NM_001193376.3, NM_003219.1); short protein forms M549L.
Identifiers: ClinVar variation 2928643 (VCV002928643.4), dbSNP rs1280057050, ClinGen allele CA359083260.
Genomic context (GRCh38, chr5:1,282,553, plus strand): 5'-GAAACGTGGTCTCCGTGACATAAAAGAAAGACCTGAGCAGCTCGACGACGTACACACTCA[T>A]CAGCCAGTGCAGGAACTTGGCCAGGATCTCCTCACGCAGACGGTGCTCTGCGGCCGGAAC-3'
Protein context (NP_937983.2, residues 539-559): EILAKFLHWL[Met549Leu]SVYVVELLRS

ClinVar aggregate classification (germline): Uncertain significance. Review status: criteria provided, single submitter (1 of 4 stars). 2 submissions from 2 submitters: Uncertain significance (1). 1 of the submissions does not count toward it. Last evaluated 2023-09-06.

Conditions:
Idiopathic Pulmonary Fibrosis. Also called: Idiopathic fibrosing alveolitis, chronic form; idiopathic fibrosing alveolitis. Identifiers: Orphanet 2032, MedGen C1800706, MeSH D054990, MONDO:0800504.
Dyskeratosis congenita, autosomal dominant 2. Identifiers: MedGen C3151443, MONDO:0013521, OMIM 613989.
TERT-related disorder. Also called: TERT-related disorders; TERT-related condition.

Allele frequency attached by ClinVar (database versions not stated): gnomAD exomes below 0.00001.
gnomAD v4.1: 2 of 1,614,100 alleles (0.00012%); highest among the groups gnomAD compares: Non-Finnish European, 0.00017%; no homozygotes.

Submissions (2):

Labcorp Genetics (formerly Invitae), Labcorp
Classification: Uncertain significance for Dyskeratosis congenita, autosomal dominant 2; Idiopathic Pulmonary Fibrosis. Last evaluated: 2023-09-06. Review status: criteria provided, single submitter. Criteria: Invitae Variant Classification Sherloc (09022015). Collection method: clinical testing. Allele origin: germline.
Comment: This variant is present in population databases (no rsID available, gnomAD 0.0009%). This sequence change replaces methionine, which is neutral and non-polar, with leucine, which is neutral and non-polar, at codon 549 of the TERT protein (p.Met549Leu). In summary, the available evidence is currently insufficient to determine the role of this variant in disease. Therefore, it has been classified as a Variant of Uncertain Significance. Algorithms developed to predict the effect of missense changes on protein structure and function output the following: SIFT: "Not Available"; PolyPhen-2: "Benign"; Align-GVGD: "Not Available". The leucine amino acid residue is found in multiple mammalian species, which suggests that this missense change does not adversely affect protein function. This variant has not been reported in the literature in individuals affected with TERT-related conditions.

PreventionGenetics, part of Exact Sciences
Classification: Uncertain significance for TERT-related condition. Last evaluated: 2024-07-10. Review status: no assertion criteria provided. Collection method: clinical testing. Allele origin: germline. Not counted in ClinVar's aggregate classification.
Comment: The TERT c.1645A>T variant is predicted to result in the amino acid substitution p.Met549Leu. To our knowledge, this variant has not been reported in the literature. This variant is reported in 0.00088% of alleles in individuals of European (Non-Finnish) descent in gnomAD. At this time, the clinical significance of this variant is uncertain due to the absence of conclusive functional and genetic evidence.